The following is an entry in ClinVar:

ClinVar aggregate classification (germline): Likely pathogenic (1 of 4 stars; one submission).

Conditions:
Bardet-Biedl syndrome 10 (BBS10). Identifiers: Orphanet 110, MedGen C1859568, MONDO:0014438, OMIM 615987.

Submission:

Natera, Inc.
Classification: Likely pathogenic for Bardet-Biedl syndrome type 10. Last evaluated: 2025-11-05. Review status: criteria provided, single submitter. Criteria: Natera Variant Classification Schema (03/2026). Collection method: clinical testing. Allele origin: germline.
Comment: The c.602G>A variant in BBS10 is a missense variant predicted to cause substitution of cysteine to tyrosine at amino acid 201. This variant is rare in the general population with a frequency below the threshold expected for the associated phenotype(s). This variant has been observed in one or more individuals affected with the associated recessive disease, as either homozygous or compound heterozygous with a second variant (PMID: 32448990, 37031301). Computational prediction algorithms indicate this variant is likely to affect gene or protein function. Given the available evidence, this variant is classified as Likely Pathogenic.

Literature cited by the submitters: PubMed 32448990; PubMed 37031301.

NM_024685.4(BBS10):c.602G>A (p.Cys201Tyr)

Gene: BBS10 (Bardet-Biedl syndrome 10; minus strand). Cytogenetic location: 12q21.2.
Variant type: single nucleotide variant.
Coding change: c.602G>A on transcript NM_024685.4 (MANE Select); coding-DNA position 602, G replaced by A.
Protein change: p.Cys201Tyr; replaces cysteine 201 with tyrosine.
Molecular consequence: missense variant.
Genome position (GRCh38, 1-based): chr12:76,347,383, C>T on the plus strand (G>A on the coding strand, the complement: BBS10 is on the minus strand). VCF-style: chr12-76347383-C-T. GRCh37 (hg19) VCF-style: chr12-76741163-C-T.
Other names: short protein forms C201Y.
Identifiers: ClinVar variation 4816168 (VCV004816168.1).